The following is an entry in ClinVar:

ClinVar aggregate classification (germline): Uncertain significance (1 of 4 stars; one submission).

Conditions:
Lipoprotein glomerulopathy (LPG). Identifiers: Orphanet 329481, MedGen C2673196, MONDO:0012725, OMIM 611771.

Submission:

3billion
Classification: Uncertain significance for Lipoprotein glomerulopathy. Last evaluated: 2024-12-04. Review status: criteria provided, single submitter. Criteria: ACMG Guidelines, 2015. Collection method: clinical testing. Allele origin: germline. Affected: yes.
Comment: The variant is not observed in the gnomAD v4.1.0 dataset. Predicted Consequence/Location: Missense variant In silico tool predictions suggest damaging effect of the variant on gene or gene product [REVEL: 0.60 (>=0.6, sensitivity 0.68 and specificity 0.92)]. The same nucleotide change resulting in the same amino acid change has been previously reported to be associated with APOE-related disorder (PMID: 21325775). However, the evidence of pathogenicity is insufficient at this time. Therefore, this variant is classified as VUS according to the recommendation of ACMG/AMP guideline.

Literature cited by the submitters: PubMed 21325775.

NM_000041.4(APOE):c.527G>C (p.Arg176Pro)

Gene: APOE (apolipoprotein E; plus strand). Cytogenetic location: 19q13.32.
Variant type: single nucleotide variant.
Coding change: c.527G>C on transcript NM_000041.4 (MANE Select); coding-DNA position 527, G replaced by C.
Protein change: p.Arg176Pro; replaces arginine 176 with proline.
Molecular consequence: missense variant.
Genome position (GRCh38, 1-based): chr19:44,908,823, G>C. VCF-style: chr19-44908823-G-C. GRCh37 (hg19) VCF-style: chr19-45412080-G-C.
Other names: c.605G>C, p.Arg202Pro (NM_001302688.2); c.527G>C, p.Arg176Pro (NM_001302689.2, NM_001302690.2, NM_001302691.2); short protein forms R176P, R202P.
Identifiers: ClinVar variation 4293341 (VCV004293341.1).